The following is an entry in ClinVar:

ClinVar aggregate classification (germline): Uncertain significance (1 of 4 stars; one submission).

Conditions:
Joubert syndrome. Also called: CEREBELLOPARENCHYMAL DISORDER IV; JOUBERT-BOLTSHAUSER SYNDROME; Familial aplasia of the vermis. Identifiers: Orphanet 475, MedGen C5979921, MONDO:0018772.
Meckel-Gruber syndrome. Also called: DYSENCEPHALIA SPLANCHNOCYSTICA; GRUBER SYNDROME; Dysencephalia splachnocystica. Identifiers: Orphanet 564, MedGen C0265215, MONDO:0018921.

Submission:

Labcorp Genetics (formerly Invitae), Labcorp
Classification: Uncertain significance for Joubert syndrome; Meckel-Gruber syndrome. Last evaluated: 2022-02-28. Review status: criteria provided, single submitter. Criteria: Invitae Variant Classification Sherloc (09022015). Collection method: clinical testing. Allele origin: germline.
Comment: This variant has not been reported in the literature in individuals affected with TCTN2-related conditions. This variant is not present in population databases (gnomAD no frequency). This sequence change replaces glutamine, which is neutral and polar, with histidine, which is basic and polar, at codon 667 of the TCTN2 protein (p.Gln667His). In summary, the available evidence is currently insufficient to determine the role of this variant in disease. Therefore, it has been classified as a Variant of Uncertain Significance. Algorithms developed to predict the effect of missense changes on protein structure and function (SIFT, PolyPhen-2, Align-GVGD) all suggest that this variant is likely to be tolerated.

NM_024809.5(TCTN2):c.2001G>C (p.Gln667His)

Gene: TCTN2 (tectonic family member 2; plus strand). Cytogenetic location: 12q24.31.
Variant type: single nucleotide variant.
Coding change: c.2001G>C on transcript NM_024809.5 (MANE Select); coding-DNA position 2001, G replaced by C.
Protein change: p.Gln667His; replaces glutamine 667 with histidine.
Molecular consequence: missense variant.
Genome position (GRCh38, 1-based): chr12:123,707,620, G>C. VCF-style: chr12-123707620-G-C. GRCh37 (hg19) VCF-style: chr12-124192167-G-C.
Other names: c.1998G>C, p.Gln666His (NM_001143850.3); c.1866G>C, p.Gln622His (NM_001410989.1); short protein forms Q622H, Q667H, Q666H.
Identifiers: ClinVar variation 1998007 (VCV001998007.4), dbSNP rs1956246296, ClinGen allele CA387149276.